The following is an entry in ClinVar:

NM_033310.3(KCNK4):c.335G>A (p.Arg112His)

Genes: KCNK4 (potassium two pore domain channel subfamily K member 4; plus strand), KCNK4-CATSPERZ (KCNK4-CATSPERZ readthrough (NMD candidate); plus strand). Cytogenetic location: 11q13.1.
Variant type: single nucleotide variant.
Coding change: c.335G>A on transcript NM_033310.3 (MANE Select); coding-DNA position 335, G replaced by A.
Protein change: p.Arg112His; replaces arginine 112 with histidine.
Molecular consequence: missense variant. On other transcripts: non-coding transcript variant (3).
Genome position (GRCh38, 1-based): chr11:64,297,140, G>A. VCF-style: chr11-64297140-G-A. GRCh37 (hg19) VCF-style: chr11-64064612-G-A.
Other names: c.335G>A, p.Arg112His (NM_001317090.2, NM_033311.1); c.335G>A (NM_033310.2); short protein forms R112H.
Identifiers: ClinVar variation 2189551 (VCV002189551.5), dbSNP rs766304450, ClinGen allele CA6073023.

ClinVar aggregate classification (germline): Uncertain significance. Review status: criteria provided, multiple submitters, no conflicts (2 of 4 stars). 2 submissions from 2 submitters: Uncertain significance (2). Last evaluated 2025-04-28.

Allele frequency attached by ClinVar (database versions not stated): ExAC 0.00001; gnomAD 0.00001; gnomAD exomes 0.00001; TOPMed 0.00001.

Submissions (2):

Labcorp Genetics (formerly Invitae), Labcorp
Classification: Uncertain significance. Last evaluated: 2025-04-28. Review status: criteria provided, single submitter. Criteria: Invitae Variant Classification Sherloc (09022015). Collection method: clinical testing. Allele origin: germline.
Comment: This sequence change replaces arginine, which is basic and polar, with histidine, which is basic and polar, at codon 112 of the KCNK4 protein (p.Arg112His). This variant is present in population databases (rs766304450, gnomAD 0.003%). This variant has not been reported in the literature in individuals affected with KCNK4-related conditions. ClinVar contains an entry for this variant (Variation ID: 2189551). An algorithm developed to predict the effect of missense changes on protein structure and function (PolyPhen-2) suggests that this variant is likely to be tolerated. In summary, the available evidence is currently insufficient to determine the role of this variant in disease. Therefore, it has been classified as a Variant of Uncertain Significance.

Ambry Genetics
Classification: Uncertain significance. Last evaluated: 2021-11-22. Review status: criteria provided, single submitter. Criteria: Ambry Variant Classification Scheme 2023. Collection method: clinical testing. Allele origin: germline.